The following is an entry in ClinVar:

NM_000257.4(MYH7):c.1750G>T (p.Gly584Cys)

Gene: MYH7 (myosin heavy chain 7; minus strand). Cytogenetic location: 14q11.2.
Variant type: single nucleotide variant.
Coding change: c.1750G>T on transcript NM_000257.4 (MANE Select); coding-DNA position 1750, G replaced by T.
Protein change: p.Gly584Cys; replaces glycine 584 with cysteine.
Molecular consequence: missense variant.
Genome position (GRCh38, 1-based): chr14:23,427,723, C>A on the plus strand (G>T on the coding strand, the complement: MYH7 is on the minus strand). VCF-style: chr14-23427723-C-A. GRCh37 (hg19) VCF-style: chr14-23896932-C-A.
Other names: short protein forms G584C.
Identifiers: ClinVar variation 520452 (VCV000520452.5), dbSNP rs121913626, ClinGen allele CA389049895.

ClinVar aggregate classification (germline): Likely pathogenic. Review status: criteria provided, multiple submitters, no conflicts (2 of 4 stars). 2 submissions from 2 submitters: Likely pathogenic (2). Last evaluated 2025-05-28.

Conditions:
Cardiovascular phenotype. Identifiers: MedGen CN230736.

Submissions (2):

Ambry Genetics
Classification: Likely pathogenic for Cardiovascular phenotype. Last evaluated: 2025-05-28. Review status: criteria provided, single submitter. Criteria: Ambry Variant Classification Scheme 2023. Collection method: clinical testing. Allele origin: germline.
Comment: The p.G584C variant (also known as c.1750G>T), located in coding exon 14 of the MYH7 gene, results from a G to T substitution at nucleotide position 1750. The glycine at codon 584 is replaced by cysteine, an amino acid with highly dissimilar properties. Other variant(s) at the same codon, p.G584R (c.1750G>C), have been identified in individual(s) with features consistent with hypertrophic cardiomyopathy (HCM) and segregated with disease in at least one family (Solomon SD et al. J. Am. Coll. Cardiol., 1993 Aug;22:498-505; Watkins H et al. Am. J. Hum. Genet., 1993 Dec;53:1180-5; Marsiglia JD et al. Am. Heart J., 2013 Oct;166:775-82; Walsh R et al. Genet. Med., 2017 02;19:192-203). This variant is considered to be rare based on population cohorts in the Genome Aggregation Database (gnomAD). This amino acid position is highly conserved in available vertebrate species. In addition, this alteration is predicted to be deleterious by in silico analysis. Based on the majority of available evidence to date, this variant is likely to be pathogenic.

Molecular Diagnostic Laboratory for Inherited Cardiovascular Disease, Montreal Heart Institute
Classification: Likely pathogenic for Cardiovascular phenotype. Last evaluated: 2025-02-11. Review status: criteria provided, single submitter. Criteria: ACMG Guidelines, 2015. Collection method: clinical testing. Allele origin: germline. Affected: yes.